The following is an entry in ClinVar:

NM_013275.6(ANKRD11):c.6812_6813del (p.Pro2271fs)

Gene: ANKRD11 (ankyrin repeat domain 11; minus strand). Cytogenetic location: 16q24.3.
Variant type: Deletion.
Coding change: c.6812_6813del on transcript NM_013275.6 (MANE Select); coding-DNA positions 6812 to 6813, 2 bases deleted (CT; older notation c.6812_6813delCT).
Protein change: p.Pro2271fs; shifts the reading frame from proline 2271.
Molecular consequence: frameshift variant.
Genome position (GRCh38, 1-based): chr16:89,279,729-89,279,730, AG deleted on the plus strand (CT on the coding strand, the reverse complement: ANKRD11 is on the minus strand). VCF-style (leftmost placement, unchanged base first): chr16-89279728-CAG-C. GRCh37 (hg19) VCF-style: chr16-89346136-CAG-C.
Other names: c.6812_6813del, p.Pro2271fs (NM_001256182.2, NM_001256183.2); short protein forms P2271fs.
Identifiers: ClinVar variation 3769811 (VCV003769811.2).

ClinVar aggregate classification (germline): Pathogenic. Review status: criteria provided, multiple submitters, no conflicts (2 of 4 stars). 2 submissions from 2 submitters: Pathogenic (2). Last evaluated 2024-09-16.

Conditions:
KBG syndrome (KBGS). Also called: ANKRD11-Related KBG Syndrome. Identifiers: Orphanet 2332, MedGen C0220687, MONDO:0007846, OMIM 148050.

Submissions (2):

GeneDx
Classification: Pathogenic. Last evaluated: 2024-09-16. Review status: criteria provided, single submitter. Criteria: GeneDx Variant Classification Process June 2021. Collection method: clinical testing. Allele origin: germline. Affected: yes.
Comment: Reported in a patient with intellectual disability, autism spectrum disorder, and epilepsy (PMID: 31144778, 31209962); Frameshift variant predicted to result in protein truncation or nonsense mediated decay in a gene for which loss-of-function is a known mechanism of disease; Not observed at significant frequency in large population cohorts (gnomAD); This variant is associated with the following publications: (PMID: 31209962, 31144778)

Department of Human Genetics, Hannover Medical School
Classification: Pathogenic for KBG syndrome. Last evaluated: 2024-03-28. Review status: criteria provided, single submitter. Criteria: ACMG Guidelines, 2015. Collection method: clinical testing. Allele origin: germline. Affected: yes.